The following is an entry in ClinVar:

ClinVar aggregate classification (germline): Conflicting classifications of pathogenicity. Review status: criteria provided, conflicting classifications (1 of 4 stars). 4 submissions from 4 submitters: Uncertain significance (3); Likely benign (1). Last evaluated 2026-01-26.

Conditions:
Familial thoracic aortic aneurysm and aortic dissection (TAAD). Also called: Thoracic aortic aneurysms and dissections. Identifiers: Orphanet 91387, MedGen C4707243, MONDO:0019625.
Aortic aneurysm, familial thoracic 7 (AAT7). Also called: AORTIC DISSECTION, FAMILIAL, WITH OR WITHOUT AORTIC ANEURYSM. Identifiers: MedGen C3151077, MONDO:0013418, OMIM 613780.

Allele frequency attached by ClinVar (database versions not stated): gnomAD 0.00001; gnomAD exomes 0.00001 and 0.00003; TOPMed 0.00002; ExAC 0.00005.
gnomAD v4.1: 9 of 1,567,574 alleles (0.00057%); highest among the groups gnomAD compares: Admixed American, 0.017%; no homozygotes.

Submissions (4):

Ambry Genetics
Classification: Likely benign for Familial thoracic aortic aneurysm and aortic dissection. Last evaluated: 2026-01-26. Review status: criteria provided, single submitter. Criteria: Ambry Variant Classification Scheme 2023. Collection method: clinical testing. Allele origin: germline.

Labcorp Genetics (formerly Invitae), Labcorp
Classification: Uncertain significance for Aortic aneurysm, familial thoracic 7. Last evaluated: 2025-09-26. Review status: criteria provided, single submitter. Criteria: Invitae Variant Classification Sherloc (09022015). Collection method: clinical testing. Allele origin: germline.
Comment: This sequence change replaces glutamic acid, which is acidic and polar, with lysine, which is basic and polar, at codon 282 of the MYLK protein (p.Glu282Lys). This variant is present in population databases (rs746464484, gnomAD 0.03%). This variant has not been reported in the literature in individuals affected with MYLK-related conditions. ClinVar contains an entry for this variant (Variation ID: 519987). Invitae Evidence Modeling of protein sequence and biophysical properties (such as structural, functional, and spatial information, amino acid conservation, physicochemical variation, residue mobility, and thermodynamic stability) indicates that this missense variant is not expected to disrupt MYLK protein function with a negative predictive value of 95%. In summary, the available evidence is currently insufficient to determine the role of this variant in disease. Therefore, it has been classified as a Variant of Uncertain Significance.

ARUP Laboratories, Molecular Genetics and Genomics, ARUP Laboratories
Classification: Uncertain significance. Last evaluated: 2025-03-27. Review status: criteria provided, single submitter. Criteria: ARUP Molecular Germline Variant Investigation Process 2024. Collection method: clinical testing. Allele origin: germline.
Comment: The MYLK c.844G>A; p.Glu282Lys variant (rs746464484), to our knowledge, is not reported in the medical literature but is reported in ClinVar (Variation ID: 519987). This variant is found in the Admixed American population with an allele frequency of 0.025% (7/28,460 alleles) in the Genome Aggregation Database (v2.1.1). Computational analyses predict that this variant is neutral (REVEL: 0.029). Due to limited information, the clinical significance of this variant is uncertain at this time.

GeneDx
Classification: Uncertain significance. Last evaluated: 2023-02-22. Review status: criteria provided, single submitter. Criteria: GeneDx Variant Classification Process June 2021. Collection method: clinical testing. Allele origin: germline. Affected: yes.
Comment: Has not been previously published as pathogenic or benign to our knowledge; In silico analysis supports that this missense variant does not alter protein structure/function

NM_053025.4(MYLK):c.844G>A (p.Glu282Lys)

Gene: MYLK (myosin light chain kinase; minus strand). Cytogenetic location: 3q21.1.
Variant type: single nucleotide variant.
Coding change: c.844G>A on transcript NM_053025.4 (MANE Select); coding-DNA position 844, G replaced by A.
Protein change: p.Glu282Lys; replaces glutamic acid 282 with lysine.
Molecular consequence: missense variant.
Genome position (GRCh38, 1-based): chr3:123,734,152, C>T on the plus strand (G>A on the coding strand, the complement: MYLK is on the minus strand). VCF-style: chr3-123734152-C-T. GRCh37 (hg19) VCF-style: chr3-123452999-C-T.
Other names: c.316G>A, p.Glu106Lys (NM_001321309.2); c.844G>A, p.Glu282Lys (NM_053026.4, NM_053027.4, NM_053028.4); short protein forms E282K, E106K.
Identifiers: ClinVar variation 519987 (VCV000519987.13), dbSNP rs746464484, ClinGen allele CA073702.